The following is an entry in ClinVar:

ClinVar aggregate classification (germline): Likely benign (1 of 4 stars; one submission).

gnomAD v4.1: 9 of 1,185,285 alleles (0.00076%); highest among the groups gnomAD compares: Non-Finnish European, 0.0009%; no homozygotes.

Submission:

CeGaT Center for Human Genetics Tuebingen
Classification: Likely benign. Last evaluated: 2022-04-01. Review status: criteria provided, single submitter. Criteria: CeGaT Center For Human Genetics Tuebingen Variant Classification Criteria Version 2. Collection method: clinical testing. Allele origin: germline. Affected: yes. Observed: 1 variant allele.
Comment: USP9X: BP4

NM_001039591.3(USP9X):c.5331+4C>T

Gene: USP9X (ubiquitin specific peptidase 9 X-linked; plus strand). Cytogenetic location: Xp11.4.
Variant type: single nucleotide variant.
Coding change: c.5331+4C>T on transcript NM_001039591.3 (MANE Select); 4 bases into the intron after coding-DNA position 5331, C replaced by T.
Molecular consequence: intron variant.
Genome position (GRCh38, 1-based): chrX:41,214,713, C>T. VCF-style: chrX-41214713-C-T. GRCh37 (hg19) VCF-style: chrX-41073966-C-T.
Other names: c.5331+4C>T (NM_001039590.3).
Identifiers: ClinVar variation 1695292 (VCV001695292.31), dbSNP rs375119776, ClinGen allele CA875363374.
Genomic context (GRCh38, chrX:41,214,713, plus strand): 5'-AAAGGAGATTTACTAGAAGGTGCAAATGCATATCATTGTGAAAAATGCAATAAAAAGGTA[C>T]GGGCTGTCCAGTTTTGTTTAATTTTGATTACATTTAATGGATTTAGAAGAAATTGGTTTT-3'